The following is an entry in ClinVar:

ClinVar aggregate classification (germline): Benign/Likely benign. Review status: criteria provided, multiple submitters, no conflicts (2 of 4 stars). 3 submissions from 3 submitters: Benign (1); Likely benign (2). Last evaluated 2026-08-18.

Conditions:
Hereditary cancer-predisposing syndrome. Also called: Hereditary Cancer Syndrome; Hereditary neoplastic syndrome; Neoplastic Syndromes, Hereditary; Tumor predisposition. Identifiers: Orphanet 140162, MedGen C0027672, MeSH D009386, MONDO:0015356.
DICER1-related tumor predisposition. Also called: DICER1-related pleuropulmonary blastoma cancer predisposition syndrome; DICER1 syndrome. Identifiers: Orphanet 284343, MedGen C3839822, MONDO:0100216.

Allele frequency attached by ClinVar (database versions not stated): gnomAD 0.00001; gnomAD exomes below 0.00001; TOPMed below 0.00001.
gnomAD v4.1: 2 of 1,614,060 alleles (0.00012%); highest among the groups gnomAD compares: African/African-American, 0.0027%; no homozygotes.

Submissions (3):

Myriad Genetics, Inc.
Classification: Benign for DICER1-related tumor predisposition. Last evaluated: 2026-08-18. Review status: criteria provided, single submitter. Criteria: Myriad Autosomal Dominant, Autosomal Recessive and X-Linked Classification Criteria (2023). Collection method: clinical testing. Allele origin: unknown.
Comment: This variant is considered benign. This variant is a silent/synonymous amino acid change and it is not expected to impact splicing.

Labcorp Genetics (formerly Invitae), Labcorp
Classification: Likely benign for DICER1-related tumor predisposition. Last evaluated: 2023-08-07. Review status: criteria provided, single submitter. Criteria: Invitae Variant Classification Sherloc (09022015). Collection method: clinical testing. Allele origin: germline.

Ambry Genetics
Classification: Likely benign for Hereditary cancer-predisposing syndrome. Last evaluated: 2022-08-10. Review status: criteria provided, single submitter. Criteria: Ambry Variant Classification Scheme 2023. Collection method: clinical testing. Allele origin: germline.

NM_177438.3(DICER1):c.3843T>G (p.Pro1281=)

Gene: DICER1 (dicer 1, ribonuclease III; minus strand). Cytogenetic location: 14q32.13.
Variant type: single nucleotide variant.
Coding change: c.3843T>G on transcript NM_177438.3 (MANE Select); coding-DNA position 3843, T replaced by G.
Protein change: p.Pro1281=; no amino-acid change (proline 1281 retained).
Molecular consequence: synonymous variant.
Genome position (GRCh38, 1-based): chr14:95,103,553, A>C on the plus strand (T>G on the coding strand, the complement: DICER1 is on the minus strand). VCF-style: chr14-95103553-A-C. GRCh37 (hg19) VCF-style: chr14-95569890-A-C.
Other names: c.3843T>G, p.Pro1281= (NM_001195573.1, NM_001271282.3, NM_001291628.2 and 1 more transcripts).
Identifiers: ClinVar variation 1089276 (VCV001089276.14), dbSNP rs968348779, ClinGen allele CA265905906.